The following is an entry in ClinVar:

NM_004006.3(DMD):c.9564-23T>A

Gene: DMD (dystrophin; minus strand). Cytogenetic location: Xp21.2.
Variant type: single nucleotide variant.
Coding change: c.9564-23T>A on transcript NM_004006.3 (MANE Select); 23 bases into the intron before coding-DNA position 9564, T replaced by A.
Molecular consequence: intron variant.
Genome position (GRCh38, 1-based): chrX:31,206,690, A>T on the plus strand (T>A on the coding strand, the complement: DMD is on the minus strand). VCF-style: chrX-31206690-A-T. GRCh37 (hg19) VCF-style: chrX-31224807-A-T.
Other names: c.360-23T>A (NM_004018.3, NM_004017.3, NM_004016.3 and 2 more transcripts); c.9552-23T>A (NM_004009.3); c.9195-23T>A (NM_004010.3); c.2184-23T>A (NM_004020.4, NM_004022.3, NM_004021.3 and 2 more transcripts); c.1377-23T>A (NM_004014.3); c.9540-23T>A (NM_000109.4); c.5541-23T>A (NM_004011.4); c.5532-23T>A (NM_004012.4).
Identifiers: ClinVar variation 2692580 (VCV002692580.1), dbSNP rs398124098, ClinGen allele CA222541.

ClinVar aggregate classification (germline): Uncertain significance (1 of 4 stars; one submission).

Submission:

Greenwood Genetic Center Diagnostic Laboratories, Greenwood Genetic Center
Classification: Uncertain significance. Last evaluated: 2023-10-27. Review status: criteria provided, single submitter. Criteria: ACMG Guidelines, 2015. Collection method: clinical testing. Allele origin: germline. Affected: yes.
Comment: PM2